The following is an entry in ClinVar:

ClinVar aggregate classification (germline): Uncertain significance. Review status: criteria provided, multiple submitters, no conflicts (2 of 4 stars). 2 submissions from 2 submitters: Uncertain significance (2). Last evaluated 2025-12-15.

Allele frequency attached by ClinVar (database versions not stated): gnomAD exomes below 0.00001; gnomAD 0.00001.
gnomAD v4.1: 3 of 1,146,164 alleles (0.00026%); highest among the groups gnomAD compares: Non-Finnish European, 0.00032%; no homozygotes.

Submissions (2):

Labcorp Genetics (formerly Invitae), Labcorp
Classification: Uncertain significance. Last evaluated: 2025-12-15. Review status: criteria provided, single submitter. Criteria: Invitae Variant Classification Sherloc (09022015). Collection method: clinical testing. Allele origin: germline.
Comment: This sequence change replaces alanine, which is neutral and non-polar, with threonine, which is neutral and polar, at codon 469 of the ARID1B protein (p.Ala469Thr). The frequency data for this variant in the population databases is considered unreliable, as metrics indicate insufficient coverage at this position in the gnomAD database. This variant has not been reported in the literature in individuals affected with ARID1B-related conditions. ClinVar contains an entry for this variant (Variation ID: 2626919). Invitae Evidence Modeling of protein sequence and biophysical properties (such as structural, functional, and spatial information, amino acid conservation, physicochemical variation, residue mobility, and thermodynamic stability) indicates that this missense variant is not expected to disrupt ARID1B protein function with a negative predictive value of 95%. In summary, the available evidence is currently insufficient to determine the role of this variant in disease. Therefore, it has been classified as a Variant of Uncertain Significance.

Greenwood Genetic Center Diagnostic Laboratories, Greenwood Genetic Center
Classification: Uncertain significance. Last evaluated: 2023-09-05. Review status: criteria provided, single submitter. Criteria: ACMG Guidelines, 2015. Collection method: clinical testing. Allele origin: germline. Affected: yes.
Comment: PM2

NM_001374828.1(ARID1B):c.1654G>A (p.Ala552Thr)

Gene: ARID1B (AT-rich interaction domain 1B; plus strand). Cytogenetic location: 6q25.3.
Variant type: single nucleotide variant.
Coding change: c.1654G>A on transcript NM_001374828.1 (MANE Select); coding-DNA position 1654, G replaced by A.
Protein change: p.Ala552Thr; replaces alanine 552 with threonine.
Molecular consequence: missense variant.
Genome position (GRCh38, 1-based): chr6:156,779,334, G>A. VCF-style: chr6-156779334-G-A. GRCh37 (hg19) VCF-style: chr6-157100468-G-A.
Other names: c.1405G>A, p.Ala469Thr (NM_001346813.1, NM_020732.3); c.1654G>A, p.Ala552Thr (NM_001371656.1, NM_001374820.1, NM_017519.3); c.1231G>A, p.Ala411Thr (NM_175863.2); short protein forms A411T, A469T, A552T.
Identifiers: ClinVar variation 2626919 (VCV002626919.2), dbSNP rs1431737380, ClinGen allele CA366385270.